The following is an entry in ClinVar:

NM_001110556.2(FLNA):c.6907+14G>T

Gene: FLNA (filamin A; minus strand). Cytogenetic location: Xq28.
Variant type: single nucleotide variant.
Coding change: c.6907+14G>T on transcript NM_001110556.2 (MANE Select); 14 bases into the intron after coding-DNA position 6907, G replaced by T.
Molecular consequence: intron variant.
Genome position (GRCh38, 1-based): chrX:154,351,870, C>A on the plus strand (G>T on the coding strand, the complement: FLNA is on the minus strand). VCF-style: chrX-154351870-C-A. GRCh37 (hg19) VCF-style: chrX-153580238-C-A.
Other names: c.6883+14G>T (NM_001456.4).
Identifiers: ClinVar variation 213453 (VCV000213453.16), dbSNP rs199934017, ClinGen allele CA323243.
Genomic context (GRCh38, chrX:154,351,870, plus strand): 5'-TATCTGTGCCAGCCCTGGGTCCAATACCCACACTCAGGCCCCACCTCCTCCAACCCCAGC[C>A]GGGTTCCCAGTACCTGGCTCCTGGACCACATAAGCCACACCACAGGAGCCGTCCTTGCGG-3'

ClinVar aggregate classification (germline): Benign/Likely benign. Review status: criteria provided, multiple submitters, no conflicts (2 of 4 stars). 4 submissions from 4 submitters: Benign (2); Likely benign (2). Last evaluated 2026-02-02.

Conditions:
Oto-palato-digital syndrome, type II (OPD2). Also called: FACIOPALATOOSSEOUS SYNDROME; Otopalatodigital Syndrome, Type II; Otopalatodigital Syndrome Type 2 (FLNA-OPD2); OPD II SYNDROME. Identifiers: Orphanet 669, Orphanet 90652, MedGen C1844696, MONDO:0010571, OMIM 304120.
Heterotopia, periventricular, X-linked dominant (PVNH1). Also called: X-linked periventricular heterotopia; PERIVENTRICULAR NODULAR HETEROTOPIA 1; PERIVENTRICULAR NODULAR HETEROTOPIA 4; HETEROTOPIA, PERIVENTRICULAR, 1. Identifiers: Orphanet 2149, Orphanet 82004, MedGen C1848213, MONDO:0010233, OMIM 300049.
Frontometaphyseal dysplasia (FMD1). Identifiers: Orphanet 1826, MedGen C0265293, MONDO:0015942.
Melnick-Needles syndrome (MNS). Also called: Melnick-Needles Syndrome (FLNA-MNS); MELNICK-NEEDLES OSTEODYSPLASTY; OSTEODYSPLASTY OF MELNICK AND NEEDLES. Identifiers: Orphanet 2484, MedGen C0025237, MONDO:0010650, OMIM 309350.

Allele frequency attached by ClinVar (database versions not stated): 1000 Genomes Project 30x 0.00021; 1000 Genomes Project 0.00026; gnomAD 0.00051; TOPMed 0.00053; ESP Exome Variant Server 0.00082.
gnomAD v4.1: 723 of 1,209,191 alleles (0.06%); highest among the groups gnomAD compares: Non-Finnish European, 0.074%; 2 homozygotes.

Submissions (4):

Labcorp Genetics (formerly Invitae), Labcorp
Classification: Benign for Oto-palato-digital syndrome, type II; Heterotopia, periventricular, X-linked dominant; Frontometaphyseal dysplasia; Melnick-Needles syndrome. Last evaluated: 2026-02-02. Review status: criteria provided, single submitter. Criteria: Invitae Variant Classification Sherloc (09022015). Collection method: clinical testing. Allele origin: germline.

Blueprint Genetics
Classification: Likely benign. Last evaluated: 2024-08-07. Review status: criteria provided, single submitter. Criteria: ACMG Guidelines, 2015. Collection method: clinical testing. Allele origin: germline.

ARUP Laboratories, Molecular Genetics and Genomics, ARUP Laboratories
Classification: Likely benign. Last evaluated: 2022-01-10. Review status: criteria provided, single submitter. Criteria: ARUP Molecular Germline Variant Investigation Process 2021. Collection method: clinical testing. Allele origin: germline.

GeneDx
Classification: Benign. Last evaluated: 2014-11-14. Review status: criteria provided, single submitter. Criteria: GeneDx Variant Classification (06012015). Collection method: clinical testing. Allele origin: germline. Affected: yes.
Comment: This variant is considered likely benign or benign based on one or more of the following criteria: it is a conservative change, it occurs at a poorly conserved position in the protein, it is predicted to be benign by multiple in silico algorithms, and/or has population frequency not consistent with disease.